The following is an entry in ClinVar:

ClinVar aggregate classification (germline): Conflicting classifications of pathogenicity. Review status: criteria provided, conflicting classifications (1 of 4 stars). 5 submissions from 5 submitters: Uncertain significance (4); Likely benign (1). Last evaluated 2026-01-20.

Conditions:
Iodotyrosyl coupling defect (TDH3). Also called: HYPOTHYROIDISM, CONGENITAL, DUE TO DYSHORMONOGENESIS, 3; THYROID HORMONOGENESIS, GENETIC DEFECT IN, 3. Identifiers: Orphanet 95716, MedGen C0342194, MONDO:0010135, OMIM 274700.
Autoimmune thyroid disease, susceptibility to, 3. Identifiers: MedGen C1842444, MONDO:0011982, OMIM 608175.

Allele frequency attached by ClinVar (database versions not stated): 1000 Genomes Project 30x 0.00031; 1000 Genomes Project 0.00040; gnomAD exomes 0.00046 and 0.00069; gnomAD 0.00052 and 0.00053; TOPMed 0.00052; ExAC 0.00054; ESP Exome Variant Server 0.00077.
gnomAD v4.1: 1,068 of 1,614,112 alleles (0.066%); highest among the groups gnomAD compares: Middle Eastern, 0.099%; 1 homozygote.

Submissions (5):

Women's Health and Genetics/Laboratory Corporation of America, LabCorp
Classification: Uncertain significance. Last evaluated: 2026-01-20. Review status: criteria provided, single submitter. Criteria: LabCorp Variant Classification Summary - May 2015. Collection method: clinical testing. Allele origin: germline.
Comment: Variant summary: TG c.4481C>T (p.Pro1494Leu) results in a non-conservative amino acid change in the encoded protein sequence. Algorithms developed to predict the effect of missense changes on protein structure and function are either unavailable or do not agree on the potential impact of this missense change. The variant allele was found at a frequency of 0.00046 in 251182 control chromosomes. This frequency is not significantly higher than estimated for disease-causing variants in TG, allowing no conclusion about variant significance. c.4481C>T has been observed in heterozygous individuals affected with TG-Related Disorders (e.g. Matretskaya_2018, Oliver-Petit_2021). These report(s) do not provide unequivocal conclusions about association of the variant with TG-Related Disorders. To our knowledge, no experimental evidence demonstrating an impact on protein function has been reported. The following publications have been ascertained in the context of this evaluation (PMID: 30240412, 34248839). ClinVar contains an entry for this variant (Variation ID: 361962). Based on the evidence outlined above, the variant was classified as uncertain significance.

CeGaT Center for Human Genetics Tuebingen
Classification: Likely benign. Last evaluated: 2025-07-01. Review status: criteria provided, single submitter. Criteria: CeGaT Center For Human Genetics Tuebingen Variant Classification Criteria Version 2. Collection method: clinical testing. Allele origin: germline. Affected: yes. Observed: 2 variant alleles.
Comment: TG: BP4

Fulgent Genetics
Classification: Uncertain significance for Iodotyrosyl coupling defect; Autoimmune thyroid disease, susceptibility to, 3. Last evaluated: 2022-04-20. Review status: criteria provided, single submitter. Criteria: ACMG Guidelines, 2015. Collection method: clinical testing. Allele origin: unknown.

GeneDx
Classification: Uncertain significance. Last evaluated: 2018-06-14. Review status: criteria provided, single submitter. Criteria: GeneDx Variant Classification (06012015). Collection method: clinical testing. Allele origin: germline. Affected: yes.
Comment: The P1494L variant in the TG gene has not been reported previously as a pathogenic variant, nor as a benign variant, to our knowledge. Although not present in the homozygous state, the NHLBI ESP Exome Sequencing Project reports P1494L was observed in 10/8600 alleles (0.12%) from individuals of European background, indicating it may be a rare variant in this population. The P1494L variant is a semi-conservative amino acid substitution, which may impact secondary protein structure as these residues differ in some properties. However, this substitution occurs at a position that is not conserved but in silico analysis predicts this variant is probably damaging to the protein structure/function. We interpret P1494L as a variant of uncertain significance.

Illumina Laboratory Services, Illumina
Classification: Uncertain significance for Iodotyrosyl coupling defect. Last evaluated: 2018-01-13. Review status: criteria provided, single submitter. Criteria: ICSL Variant Classification Criteria 13 December 2019. Collection method: clinical testing. Allele origin: germline.

Literature cited by the submitters: PubMed 30240412 (cited by Women's Health and Genetics/Laboratory Corporation of America, LabCorp); PubMed 34248839 (cited by Women's Health and Genetics/Laboratory Corporation of America, LabCorp).

NM_003235.5(TG):c.4481C>T (p.Pro1494Leu)

Gene: TG (thyroglobulin; plus strand). Cytogenetic location: 8q24.22.
Variant type: single nucleotide variant.
Coding change: c.4481C>T on transcript NM_003235.5 (MANE Select); coding-DNA position 4481, C replaced by T.
Protein change: p.Pro1494Leu; replaces proline 1494 with leucine.
Molecular consequence: missense variant.
Genome position (GRCh38, 1-based): chr8:132,919,478, C>T. VCF-style: chr8-132919478-C-T. GRCh37 (hg19) VCF-style: chr8-133931723-C-T.
Other names: short protein forms P1494L.
Identifiers: ClinVar variation 361962 (VCV000361962.32), dbSNP rs146498231, ClinGen allele CA4884139.